The following is an entry in ClinVar:

NM_016247.4(IMPG2):c.1585G>T (p.Asp529Tyr)

Gene: IMPG2 (interphotoreceptor matrix proteoglycan 2; minus strand). Cytogenetic location: 3q12.3.
Variant type: single nucleotide variant.
Coding change: c.1585G>T on transcript NM_016247.4 (MANE Select); coding-DNA position 1585, G replaced by T.
Protein change: p.Asp529Tyr; replaces aspartic acid 529 with tyrosine.
Molecular consequence: missense variant.
Genome position (GRCh38, 1-based): chr3:101,244,746, C>A on the plus strand (G>T on the coding strand, the complement: IMPG2 is on the minus strand). VCF-style: chr3-101244746-C-A. GRCh37 (hg19) VCF-style: chr3-100963590-C-A.
Other names: short protein forms D529Y.
Identifiers: ClinVar variation 1005210 (VCV001005210.8), dbSNP rs1419691320, ClinGen allele CA353860549.

ClinVar aggregate classification (germline): Uncertain significance (1 of 4 stars; one submission).

gnomAD v4.1: 1 of 1,613,984 alleles (0.000062%); highest among the groups gnomAD compares: South Asian, 0.0011%; no homozygotes.

Submission:

Labcorp Genetics (formerly Invitae), Labcorp
Classification: Uncertain significance. Last evaluated: 2022-07-12. Review status: criteria provided, single submitter. Criteria: Invitae Variant Classification Sherloc (09022015). Collection method: clinical testing. Allele origin: germline.
Comment: This sequence change replaces aspartic acid, which is acidic and polar, with tyrosine, which is neutral and polar, at codon 529 of the IMPG2 protein (p.Asp529Tyr). This variant is not present in population databases (gnomAD no frequency). This variant has not been reported in the literature in individuals affected with IMPG2-related conditions. ClinVar contains an entry for this variant (Variation ID: 1005210). Algorithms developed to predict the effect of missense changes on protein structure and function are either unavailable or do not agree on the potential impact of this missense change (SIFT: "Deleterious"; PolyPhen-2: "Possibly Damaging"; Align-GVGD: "Class C15"). In summary, the available evidence is currently insufficient to determine the role of this variant in disease. Therefore, it has been classified as a Variant of Uncertain Significance.